The following is an entry in ClinVar:

ClinVar aggregate classification (germline): Benign. Review status: criteria provided, single submitter (1 of 4 stars). 2 submissions from 2 submitters: Benign (1). 1 of the submissions does not count toward it.

Conditions:
Permanent neonatal diabetes mellitus (PNDM). Identifiers: Orphanet 99885, MedGen C1833104, MONDO:0100164, MONDO:0011643. Disease mechanism: gain of function.
Neonatal hypoglycemia. Identifiers: MedGen C0158986, HP:0001998.

Submissions (2):

Clinical Genomics, Uppaluri K&H Personalized Medicine Clinic
Classification: Benign for Neonatal hypoglycemia. Review status: criteria provided, single submitter. Criteria: K&H Uppaluri Personalized Medicine Clinic Variant Classification & Assertion Criteria. Collection method: research. Allele origin: somatic. Inheritance: Autosomal dominant inheritance. Affected: yes.
Comment: Mutations in KCNJ11 gene can cause decreased production and secretion of insulin. This can lead to MODY which may be responsive to oral sulfonylureas. F35V of KCNJ11gene (rs193929333) can increase susceptibility to neonatal diabetes.

GeneReviews
No classification provided. Condition: Permanent neonatal diabetes mellitus. Review status: no classification provided. Collection method: literature only. Allele origin: unknown. Not counted in ClinVar's aggregate classification.

Literature cited by the submitters: PubMed 23226037 (cited by Clinical Genomics, Uppaluri K&H Personalized Medicine Clinic); PubMed 20301620 (cited by GeneReviews); NCBI Bookshelf NBK1447 (cited by GeneReviews).

NM_000525.4(KCNJ11):c.103T>C (p.Phe35Leu)

Gene: KCNJ11 (potassium inwardly rectifying channel subfamily J member 11; minus strand). Cytogenetic location: 11p15.1.
Variant type: single nucleotide variant.
Coding change: c.103T>C on transcript NM_000525.4 (MANE Select); coding-DNA position 103, T replaced by C.
Protein change: p.Phe35Leu; replaces phenylalanine 35 with leucine.
Molecular consequence: missense variant. On other transcripts: intron variant (3).
Genome position (GRCh38, 1-based): chr11:17,387,989, A>G on the plus strand (T>C on the coding strand, the complement: KCNJ11 is on the minus strand). VCF-style: chr11-17387989-A-G. GRCh37 (hg19) VCF-style: chr11-17409536-A-G.
Other names: c.-16-143T>C (NM_001166290.2, NM_001377297.1); c.-17+29T>C (NM_001377296.1); short protein forms F35L.
Identifiers: ClinVar variation 21194 (VCV000021194.4), dbSNP rs193929333, ClinGen allele CA341714.